The following is an entry in ClinVar:

NM_000540.3(RYR1):c.12877del (p.Ala4293fs)

Gene: RYR1 (ryanodine receptor 1; plus strand). Cytogenetic location: 19q13.2.
Variant type: Deletion.
Coding change: c.12877del on transcript NM_000540.3 (MANE Select); coding-DNA position 12877, one base deleted (G; older notation c.12877delG).
Protein change: p.Ala4293fs; shifts the reading frame from alanine 4293.
Molecular consequence: frameshift variant.
Genome position (GRCh38, 1-based): chr19:38,565,211, G deleted; the last of 5 consecutive G bases (chr19:38,565,207-38,565,211); deleting any one gives the same sequence. VCF-style (leftmost placement, unchanged base first): chr19-38565206-CG-C. GRCh37 (hg19) VCF-style: chr19-39055846-CG-C.
Other names: c.12862del, p.Ala4288fs (NM_001042723.2); short protein forms A4293fs, A4288fs.
Identifiers: ClinVar variation 2736885 (VCV002736885.3), dbSNP rs1973343538, ClinGen allele CA2335084733.

ClinVar aggregate classification (germline): Pathogenic (1 of 4 stars; one submission).

Conditions:
RYR1-related disorder. Also called: RYR1-related condition; RYR1-related disorders. Identifiers: MedGen CN239331.

Submission:

Labcorp Genetics (formerly Invitae), Labcorp
Classification: Pathogenic for RYR1-related disorder. Last evaluated: 2024-08-07. Review status: criteria provided, single submitter. Criteria: Invitae Variant Classification Sherloc (09022015). Collection method: clinical testing. Allele origin: germline.
Comment: This sequence change creates a premature translational stop signal (p.Ala4293Argfs*48) in the RYR1 gene. It is expected to result in an absent or disrupted protein product. Loss-of-function variants in RYR1 are known to be pathogenic (PMID: 23919265, 25960145, 28818389, 30611313). This variant is not present in population databases (gnomAD no frequency). This premature translational stop signal has been observed in individual(s) with congenital myopathy (PMID: 22473935). For these reasons, this variant has been classified as Pathogenic.

Literature cited by the submitters: PubMed 23919265; PubMed 25960145; PubMed 28818389; PubMed 30611313; PubMed 22473935.